The following is an entry in ClinVar:

ClinVar aggregate classification (germline): Benign/Likely benign. Review status: criteria provided, multiple submitters, no conflicts (2 of 4 stars). 3 submissions from 3 submitters: Benign (1); Likely benign (2). Last evaluated 2025-09-08.

Conditions:
Familial adenomatous polyposis 1 (FAP1). Also called: POLYPOSIS, ADENOMATOUS INTESTINAL; FAMILIAL ADENOMATOUS POLYPOSIS 1, ATTENUATED. Identifiers: MedGen C2713442, MONDO:0021056, OMIM 175100. Disease mechanism: loss of function.
Hereditary cancer-predisposing syndrome. Also called: Tumor predisposition; Hereditary neoplastic syndrome; Neoplastic Syndromes, Hereditary; Hereditary Cancer Syndrome. Identifiers: Orphanet 140162, MedGen C0027672, MeSH D009386, MONDO:0015356.

Submissions (3):

Color Diagnostics, LLC DBA Color Health
Classification: Likely benign for Hereditary cancer-predisposing syndrome. Last evaluated: 2025-09-08. Review status: criteria provided, single submitter. Criteria: ACMG Guidelines, 2015. Collection method: clinical testing. Allele origin: germline.

Myriad Genetics, Inc.
Classification: Benign for Familial adenomatous polyposis 1. Last evaluated: 2024-04-02. Review status: criteria provided, single submitter. Criteria: Myriad Autosomal Dominant, Autosomal Recessive and X-Linked Classification Criteria (2023). Collection method: clinical testing. Allele origin: unknown.
Comment: This variant is considered benign. This variant is a silent/synonymous amino acid change and it is not expected to impact splicing.

GeneDx
Classification: Likely benign. Last evaluated: 2017-07-26. Review status: criteria provided, single submitter. Criteria: GeneDx Variant Classification (06012015). Collection method: clinical testing. Allele origin: germline. Affected: yes.
Comment: This variant is considered likely benign or benign based on one or more of the following criteria: it is a conservative change, it occurs at a poorly conserved position in the protein, it is predicted to be benign by multiple in silico algorithms, and/or has population frequency not consistent with disease.

NM_000038.6(APC):c.5736T>A (p.Ala1912=)

Gene: APC (APC regulator of Wnt signaling pathway; plus strand). Cytogenetic location: 5q22.2.
Variant type: single nucleotide variant.
Coding change: c.5736T>A on transcript NM_000038.6 (MANE Select); coding-DNA position 5736, T replaced by A.
Protein change: p.Ala1912=; no amino-acid change (alanine 1912 retained).
Molecular consequence: synonymous variant.
Genome position (GRCh38, 1-based): chr5:112,841,330, T>A. VCF-style: chr5-112841330-T-A. GRCh37 (hg19) VCF-style: chr5-112177027-T-A.
Other names: c.5736T>A, p.Ala1912= (NM_001127510.3, NM_001354895.2); c.5682T>A, p.Ala1894= (NM_001127511.3); c.5790T>A, p.Ala1930= (NM_001354896.2); c.5766T>A, p.Ala1922= (NM_001354897.2); c.5661T>A, p.Ala1887= (NM_001354898.2); c.5652T>A, p.Ala1884= (NM_001354899.2); c.5613T>A, p.Ala1871= (NM_001354900.2); c.5559T>A, p.Ala1853= (NM_001354901.2); and 5 more.
Identifiers: ClinVar variation 517002 (VCV000517002.3), dbSNP rs1036907955, ClinGen allele CA446209401.